The following is an entry in ClinVar:

ClinVar aggregate classification (germline): Pathogenic (1 of 4 stars; one submission).

Submission:

Labcorp Genetics (formerly Invitae), Labcorp
Classification: Pathogenic. Last evaluated: 2025-02-24. Review status: criteria provided, single submitter. Criteria: Invitae Variant Classification Sherloc (09022015). Collection method: clinical testing. Allele origin: germline.
Comment: This sequence change creates a premature translational stop signal (p.Arg315Glnfs*36) in the ACAN gene. It is expected to result in an absent or disrupted protein product. Loss-of-function variants in ACAN are known to be pathogenic (PMID: 16080123, 24762113). This variant is not present in population databases (gnomAD no frequency). This variant has not been reported in the literature in individuals affected with ACAN-related conditions. For these reasons, this variant has been classified as Pathogenic.

Literature cited by the submitters: PubMed 16080123; PubMed 24762113.

NM_001369268.1(ACAN):c.944_948del (p.Arg315fs)

Gene: ACAN (aggrecan; plus strand). Cytogenetic location: 15q26.1.
Variant type: Microsatellite.
Coding change: c.944_948del on transcript NM_001369268.1 (MANE Select); coding-DNA positions 944 to 948, 5 bases deleted (GGCCC; older notation c.944_948delGGCCC).
Protein change: p.Arg315fs; shifts the reading frame from arginine 315.
Molecular consequence: frameshift variant.
Genome position (GRCh38, 1-based): chr15:88,843,541-88,843,545, GGCCC deleted; deleting any 5 consecutive bases within chr15:88,843,536-88,843,545 gives the same sequence; the c. name uses the placement nearest the transcript's 3' end. VCF-style (leftmost placement, unchanged base first): chr15-88843535-AGGCCC-A. GRCh37 (hg19) VCF-style: chr15-89386766-AGGCCC-A.
Other names: c.944_948del, p.Arg315fs (NM_001135.4, NM_001411096.1, NM_001411097.1 and 1 more transcripts); short protein forms R315fs.
Identifiers: ClinVar variation 2772792 (VCV002772792.3), dbSNP rs2505251328, ClinGen allele CA2697549298.